The following is an entry in ClinVar:

ClinVar aggregate classification (germline): Pathogenic. Review status: criteria provided, multiple submitters, no conflicts (2 of 4 stars). 2 submissions from 2 submitters: Pathogenic (2). Last evaluated 2023-12-04.

Conditions:
GUCY2D-related disorders.
Leber congenital amaurosis 1 (LCA1). Also called: Congenital absence of the rods and cones; Leber's congenital tapetoretinal degeneration; Leber's congenital tapetoretinal dysplasia; RETINAL BLINDNESS, CONGENITAL; AMAUROSIS CONGENITA OF LEBER I. Identifiers: Orphanet 65, MedGen C2931258, MONDO:0008764, OMIM 204000.
Cone-rod dystrophy 6 (CORD6). Also called: Cone dystrophy progressive; RETINAL CONE DYSTROPHY 2. Identifiers: Orphanet 1872, MedGen C1866293, MONDO:0011143, OMIM 601777.

Allele frequency attached by ClinVar (database versions not stated): gnomAD exomes below 0.00001; ExAC 0.00001; gnomAD 0.00001; TOPMed 0.00001.

Submissions (2):

Labcorp Genetics (formerly Invitae), Labcorp
Classification: Pathogenic for Leber congenital amaurosis 1; Cone-rod dystrophy 6. Last evaluated: 2023-12-04. Review status: criteria provided, single submitter. Criteria: Invitae Variant Classification Sherloc (09022015). Collection method: clinical testing. Allele origin: germline.
Comment: This sequence change creates a premature translational stop signal (p.Gln585*) in the GUCY2D gene. It is expected to result in an absent or disrupted protein product. Loss-of-function variants in GUCY2D are known to be pathogenic (PMID: 10951519, 11328726). This variant is present in population databases (rs776817542, gnomAD 0.002%). This premature translational stop signal has been observed in individual(s) with Leber congenital amaurosis (PMID: 36819107). For these reasons, this variant has been classified as Pathogenic.

Blueprint Genetics
Classification: Pathogenic for GUCY2D-related disorders. Last evaluated: 2022-08-29. Review status: criteria provided, single submitter. Criteria: ACMG Guidelines, 2015. Collection method: clinical testing. Allele origin: germline. Affected: yes. Observed: 5 variant alleles.

Literature cited by the submitters: PubMed 10951519 (cited by Labcorp Genetics (formerly Invitae), Labcorp); PubMed 11328726 (cited by Labcorp Genetics (formerly Invitae), Labcorp); PubMed 36819107 (cited by Labcorp Genetics (formerly Invitae), Labcorp).

NM_000180.4(GUCY2D):c.1753C>T (p.Gln585Ter)

Gene: GUCY2D (guanylate cyclase 2D, retinal; plus strand). Cytogenetic location: 17p13.1.
Variant type: single nucleotide variant.
Coding change: c.1753C>T on transcript NM_000180.4 (MANE Select); coding-DNA position 1753, C replaced by T.
Protein change: p.Gln585Ter; replaces glutamine 585 with a stop codon.
Molecular consequence: nonsense.
Genome position (GRCh38, 1-based): chr17:8,012,147, C>T. VCF-style: chr17-8012147-C-T. GRCh37 (hg19) VCF-style: chr17-7915465-C-T.
Other names: short protein forms Q585*.
Identifiers: ClinVar variation 2926236 (VCV002926236.4), dbSNP rs776817542, ClinGen allele CA8365890.